The following is an entry in ClinVar:

ClinVar aggregate classification (germline): Likely pathogenic (1 of 4 stars; one submission).

Conditions:
Myopathy, distal, 5 (MPD5). Also called: Adenylosuccinate synthetase-like 1-related distal myopathy. Identifiers: Orphanet 482601, MedGen C5567521, MONDO:0014877, OMIM 617030.

gnomAD v4.1: 1 of 1,613,202 alleles (0.000062%); no homozygotes.

Submission:

Juno Genomics, Hangzhou Juno Genomics, Inc
Classification: Likely pathogenic for Myopathy, distal, 5. Review status: criteria provided, single submitter. Criteria: ACMG Guidelines, 2015. Collection method: clinical testing. Allele origin: germline.
Comment: Null variant in a gene where loss of function (LOF) is a known mechanism of disease.;Absent from controls (or at extremely low frequency if recessive) in Genome Aggregation Database.

NM_152328.5(ADSS1):c.794-1G>A

Gene: ADSS1 (adenylosuccinate synthase 1; plus strand). Cytogenetic location: 14q32.33.
Variant type: single nucleotide variant.
Coding change: c.794-1G>A on transcript NM_152328.5 (MANE Select); the canonical splice acceptor site of the intron before coding-DNA position 794, G replaced by A.
Molecular consequence: splice acceptor variant.
Genome position (GRCh38, 1-based): chr14:104,741,847, G>A. VCF-style: chr14-104741847-G-A. GRCh37 (hg19) VCF-style: chr14-105208184-G-A.
Other names: c.923-1G>A (NM_199165.2); c.179-1G>A (NM_001320424.1).
Identifiers: ClinVar variation 5005288 (VCV005005288.2).
Genomic context (GRCh38, chr14:104,741,847, plus strand): 5'-GCCGGGTGGAATAATCTACAGGGGGTGACAGGTAGCCCCCTAAACCTGCTCTGTCTTGCA[G>A]GGACCTACCCCTTTGTGACTTCATCCAACTGCACCGTGGGCGGTGTGTGCACGGGCCTGG-3'